The following is an entry in ClinVar:

NM_001351132.2(PEX5):c.*20G>C

Gene: PEX5 (peroxisomal biogenesis factor 5; plus strand). Cytogenetic location: 12p13.31.
Variant type: single nucleotide variant.
Coding change: c.*20G>C on transcript NM_001351132.2 (MANE Select); 20 bases downstream of the stop codon, G replaced by C.
Molecular consequence: 3 prime UTR variant. On other transcripts: splice donor variant (2).
Genome position (GRCh38, 1-based): chr12:7,210,243, G>C. VCF-style: chr12-7210243-G-C. GRCh37 (hg19) VCF-style: chr12-7362839-G-C.
Other names: NC_000012.11:g.7362839G>C; c.*20G>C (NM_001131023.1, NM_000319.5, NM_001131023.2 and 21 more transcripts); c.*19+1G>C (NM_001131026.2, NM_001374646.1).
Identifiers: ClinVar variation 257545 (VCV000257545.9), dbSNP rs145760932, ClinGen allele CA6426628.
Genomic context (GRCh38, chr12:7,210,243, plus strand): 5'-ATCTGTCCACCCTCCTAACTATGTTTGGCCTGCCCCAGTGACAGTGGGACGGGCTGCCCT[G>C]TGAGTGTCCACCTGGAGGGATCCCCGCTTTGGATGTGATTCCCTCTCCCCAAATGGGCCT-3'

ClinVar aggregate classification (germline): Likely benign. Review status: criteria provided, multiple submitters, no conflicts (2 of 4 stars). 4 submissions from 4 submitters: Likely benign (4). Last evaluated 2025-08-13.

Conditions:
Peroxisome biogenesis disorder 2A (Zellweger) (PBD2A). Also called: Cerebrohepatorenal syndrome, variant types. Identifiers: Orphanet 912, MedGen C3550273, MONDO:0008954, OMIM 214110.

Allele frequency attached by ClinVar (database versions not stated): gnomAD exomes 0.00054 and 0.00151; ExAC 0.00183; gnomAD 0.00480 and 0.00512; TOPMed 0.00544; ESP Exome Variant Server 0.00592; 1000 Genomes Project 0.00659; 1000 Genomes Project 30x 0.00703.
gnomAD v4.1: 1,563 of 1,609,964 alleles (0.097%); highest among the groups gnomAD compares: African/African-American, 1.7%; 9 homozygotes.

Submissions (19):

Mayo Clinic Laboratories, Mayo Clinic
Classification: Likely benign. Last evaluated: 2025-08-13. Review status: criteria provided, single submitter. Criteria: ACMG Guidelines, 2015. Collection method: clinical testing. Allele origin: germline. Observed: 2 variant alleles.
Comment: BA1

Blueprint Genetics
Classification: Likely benign. Last evaluated: 2024-11-25. Review status: criteria provided, single submitter. Criteria: ACMG Guidelines, 2015. Collection method: clinical testing. Allele origin: germline.

Illumina Laboratory Services, Illumina
Classification: Likely benign for Peroxisome biogenesis disorder 2A (Zellweger). Last evaluated: 2018-01-13. Review status: criteria provided, single submitter. Criteria: ICSL Variant Classification Criteria 13 December 2019. Collection method: clinical testing. Allele origin: germline.
Comment: This variant was observed in the ICSL laboratory as part of a predisposition screen in an ostensibly healthy population. It had not been previously curated by ICSL or reported in the Human Gene Mutation Database (HGMD: prior to June 1st, 2018), and was therefore a candidate for classification through an automated scoring system. Utilizing variant allele frequency, disease prevalence and penetrance estimates, and inheritance mode, an automated score was calculated to assess if this variant is too frequent to cause the disease. Based on the score and internal cut-off values, a variant classified as likely benign is not then subjected to further curation. The score for this variant resulted in a classification of likely benign for this disease.

PreventionGenetics, part of Exact Sciences
Classification: Likely benign. Review status: criteria provided, single submitter. Criteria: ACMG Guidelines, 2015. Collection method: clinical testing. Allele origin: germline.

Dr. Peter K. Rogan Lab, Western University
No classification provided (evidence only). Condition: Familial cancer of breast. Review status: no classification provided. Collection method: in vitro. Allele origin: not applicable. Functional consequence: retained intron. Not counted in ClinVar's aggregate classification.

Dr. Peter K. Rogan Lab, Western University
No classification provided (evidence only). Condition: Familial cancer of breast. Review status: no classification provided. Collection method: in vitro. Allele origin: not applicable. Functional consequence: retained intron. Not counted in ClinVar's aggregate classification.

Dr. Peter K. Rogan Lab, Western University
No classification provided (evidence only). Condition: Familial cancer of breast. Review status: no classification provided. Collection method: in vitro. Allele origin: not applicable. Functional consequence: retained intron. Not counted in ClinVar's aggregate classification.

Dr. Peter K. Rogan Lab, Western University
No classification provided (evidence only). Condition: Familial cancer of breast. Review status: no classification provided. Collection method: in vitro. Allele origin: not applicable. Functional consequence: retained intron. Not counted in ClinVar's aggregate classification.

Dr. Peter K. Rogan Lab, Western University
No classification provided (evidence only). Condition: Familial cancer of breast. Review status: no classification provided. Collection method: in vitro. Allele origin: not applicable. Functional consequence: retained intron. Not counted in ClinVar's aggregate classification.

Dr. Peter K. Rogan Lab, Western University
No classification provided (evidence only). Condition: Thyroid cancer, nonmedullary, 1. Review status: no classification provided. Collection method: in vitro. Allele origin: not applicable. Functional consequence: retained intron. Not counted in ClinVar's aggregate classification.

Dr. Peter K. Rogan Lab, Western University
No classification provided (evidence only). Condition: Uterine corpus endometrial carcinoma. Review status: no classification provided. Collection method: in vitro. Allele origin: not applicable. Functional consequence: retained intron. Not counted in ClinVar's aggregate classification.

Dr. Peter K. Rogan Lab, Western University
No classification provided (evidence only). Condition: Uterine corpus endometrial carcinoma. Review status: no classification provided. Collection method: in vitro. Allele origin: not applicable. Functional consequence: retained intron. Not counted in ClinVar's aggregate classification.

Dr. Peter K. Rogan Lab, Western University
No classification provided (evidence only). Condition: Uterine corpus endometrial carcinoma. Review status: no classification provided. Collection method: in vitro. Allele origin: not applicable. Functional consequence: retained intron. Not counted in ClinVar's aggregate classification.

Dr. Peter K. Rogan Lab, Western University
No classification provided (evidence only). Condition: Cervical cancer. Review status: no classification provided. Collection method: in vitro. Allele origin: not applicable. Functional consequence: retained intron. Not counted in ClinVar's aggregate classification.

Dr. Peter K. Rogan Lab, Western University
No classification provided (evidence only). Condition: Cervical cancer. Review status: no classification provided. Collection method: in vitro. Allele origin: not applicable. Functional consequence: retained intron. Not counted in ClinVar's aggregate classification.

Dr. Peter K. Rogan Lab, Western University
No classification provided (evidence only). Condition: Cervical cancer. Review status: no classification provided. Collection method: in vitro. Allele origin: not applicable. Functional consequence: retained intron. Not counted in ClinVar's aggregate classification.

Dr. Peter K. Rogan Lab, Western University
No classification provided (evidence only). Condition: Sarcoma. Review status: no classification provided. Collection method: in vitro. Allele origin: not applicable. Functional consequence: retained intron. Not counted in ClinVar's aggregate classification.

Dr. Peter K. Rogan Lab, Western University
No classification provided (evidence only). Condition: Sarcoma. Review status: no classification provided. Collection method: in vitro. Allele origin: not applicable. Functional consequence: retained intron. Not counted in ClinVar's aggregate classification.

Dr. Peter K. Rogan Lab, Western University
No classification provided (evidence only). Condition: Uterine carcinosarcoma. Review status: no classification provided. Collection method: in vitro. Allele origin: not applicable. Functional consequence: retained intron. Not counted in ClinVar's aggregate classification.